The following is an entry in ClinVar:

ClinVar aggregate classification (germline): Likely benign. Review status: criteria provided, single submitter (1 of 4 stars). 2 submissions from 2 submitters: Likely benign (1). 1 of the submissions does not count toward it. Last evaluated 2022-10-24.

Conditions:
SCAPER-related disorder. Also called: SCAPER-related condition.

gnomAD v4.1: 7 of 1,612,746 alleles (0.00043%); highest among the groups gnomAD compares: African/African-American, 0.0067%; no homozygotes.

Submissions (2):

Blueprint Genetics
Classification: Likely benign. Last evaluated: 2022-10-24. Review status: criteria provided, single submitter. Criteria: ACMG Guidelines, 2015. Collection method: clinical testing. Allele origin: germline.

PreventionGenetics, part of Exact Sciences
Classification: Likely benign for SCAPER-related condition. Last evaluated: 2024-09-22. Review status: no assertion criteria provided. Collection method: clinical testing. Allele origin: germline. Not counted in ClinVar's aggregate classification.
Comment: This variant is classified as likely benign based on ACMG/AMP sequence variant interpretation guidelines (Richards et al. 2015 PMID: 25741868, with internal and published modifications).

NM_020843.4(SCAPER):c.1011C>T (p.Asp337=)

Gene: SCAPER (S-phase cyclin A associated protein in the ER; minus strand). Cytogenetic location: 15q24.3.
Variant type: single nucleotide variant.
Coding change: c.1011C>T on transcript NM_020843.4 (MANE Select); coding-DNA position 1011, C replaced by T.
Protein change: p.Asp337=; no amino-acid change (aspartic acid 337 retained).
Molecular consequence: synonymous variant. On other transcripts: non-coding transcript variant (1).
Genome position (GRCh38, 1-based): chr15:76,774,879, G>A on the plus strand (C>T on the coding strand, the complement: SCAPER is on the minus strand). VCF-style: chr15-76774879-G-A. GRCh37 (hg19) VCF-style: chr15-77067220-G-A.
Other names: c.273C>T, p.Asp91= (NM_001145923.2); c.1011C>T, p.Asp337= (NM_001353009.2); c.609C>T, p.Asp203= (NM_001353010.2, NM_001353011.2, NM_001353012.2).
Identifiers: ClinVar variation 3345487 (VCV003345487.2).